The following is an entry in ClinVar:

NM_001709.5(BDNF):c.483C>T (p.Gly161=)

Genes: BDNF (brain derived neurotrophic factor; minus strand), BDNF-AS (BDNF antisense RNA; plus strand). Cytogenetic location: 11p14.1.
Variant type: single nucleotide variant.
Coding change: c.483C>T on transcript NM_001709.5 (MANE Select); coding-DNA position 483, C replaced by T.
Protein change: p.Gly161=; no amino-acid change (glycine 161 retained).
Molecular consequence: synonymous variant.
Genome position (GRCh38, 1-based): chr11:27,658,082, G>A on the plus strand (C>T on the coding strand, the complement: BDNF is on the minus strand). VCF-style: chr11-27658082-G-A. GRCh37 (hg19) VCF-style: chr11-27679629-G-A.
Other names: c.729C>T (NM_001143810.1); c.483C>T, p.Gly161= (NM_001143805.1, NM_001143806.1, NM_001143807.2 and 9 more transcripts); c.570C>T, p.Gly190= (NM_001143809.2); c.729C>T, p.Gly243= (NM_001143810.2); c.507C>T, p.Gly169= (NM_170731.5); c.528C>T, p.Gly176= (NM_170734.4).
Identifiers: ClinVar variation 743862 (VCV000743862.6), dbSNP rs376008850, ClinGen allele CA5929086.

ClinVar aggregate classification (germline): Likely benign. Review status: criteria provided, multiple submitters, no conflicts (2 of 4 stars). 3 submissions from 3 submitters: Likely benign (2). 1 of the submissions does not count toward it. Last evaluated 2022-08-24.

Conditions:
BDNF-related disorder. Also called: BDNF-related condition.

Allele frequency attached by ClinVar (database versions not stated): TOPMed 0.00002.
gnomAD v4.1: 39 of 1,613,888 alleles (0.0024%); highest among the groups gnomAD compares: Middle Eastern, 0.082%; no homozygotes.

Submissions (3):

Blueprint Genetics
Classification: Likely benign. Last evaluated: 2022-08-24. Review status: criteria provided, single submitter. Criteria: ACMG Guidelines, 2015. Collection method: clinical testing. Allele origin: germline.

Labcorp Genetics (formerly Invitae), Labcorp
Classification: Likely benign. Last evaluated: 2018-04-17. Review status: criteria provided, single submitter. Criteria: Invitae Variant Classification Sherloc (09022015). Collection method: clinical testing. Allele origin: germline.

PreventionGenetics, part of Exact Sciences
Classification: Likely benign for BDNF-related condition. Last evaluated: 2019-09-18. Review status: no assertion criteria provided. Collection method: clinical testing. Allele origin: germline. Not counted in ClinVar's aggregate classification.
Comment: This variant is classified as likely benign based on ACMG/AMP sequence variant interpretation guidelines (Richards et al. 2015 PMID: 25741868, with internal and published modifications).